The following is an entry in ClinVar:

ClinVar aggregate classification (germline): Uncertain significance. Review status: criteria provided, multiple submitters, no conflicts (2 of 4 stars). 5 submissions from 5 submitters: Uncertain significance (4). 1 of the submissions does not count toward it. Last evaluated 2026-01-07.

Conditions:
POLD1-related polyposis and colorectal cancer syndrome (CRCS10). Also called: Colorectal cancer 10; COLORECTAL CANCER, SUSCEPTIBILITY TO, ON CHROMOSOME 19q; Colorectal cancer, susceptibility to, 10. Identifiers: Orphanet 220460, MedGen C2675481, MONDO:0012953, OMIM 612591.
Hereditary cancer-predisposing syndrome. Also called: Neoplastic Syndromes, Hereditary; Hereditary neoplastic syndrome; Tumor predisposition; Hereditary Cancer Syndrome. Identifiers: Orphanet 140162, MedGen C0027672, MeSH D009386, MONDO:0015356.

Allele frequency attached by ClinVar (database versions not stated): gnomAD exomes below 0.00001; TOPMed 0.00002; gnomAD 0.00003.
gnomAD v4.1: 5 of 1,612,782 alleles (0.00031%); highest among the groups gnomAD compares: South Asian, 0.0011%; no homozygotes.

Submissions (7):

Labcorp Genetics (formerly Invitae), Labcorp
Classification: Uncertain significance for POLD1-related polyposis and colorectal cancer syndrome. Last evaluated: 2026-01-07. Review status: criteria provided, single submitter. Criteria: Invitae Variant Classification Sherloc (09022015). Collection method: clinical testing. Allele origin: germline.
Comment: This sequence change replaces arginine, which is basic and polar, with glutamine, which is neutral and polar, at codon 253 of the POLD1 protein (p.Arg253Gln). This variant also falls at the last nucleotide of exon 6, which is part of the consensus splice site for this exon. This variant is present in population databases (no rsID available, gnomAD 0.005%). This variant has not been reported in the literature in individuals affected with POLD1-related conditions. ClinVar contains an entry for this variant (Variation ID: 469383). An algorithm developed to predict the effect of missense changes on protein structure and function (PolyPhen-2) suggests that this variant is likely to be disruptive. Variants that disrupt the consensus splice site are a relatively common cause of aberrant splicing (PMID: 17576681, 9536098). RNA analysis performed to evaluate the impact of this missense change on mRNA splicing indicates it does not significantly alter splicing (internal data). In summary, the available evidence is currently insufficient to determine the role of this variant in disease. Therefore, it has been classified as a Variant of Uncertain Significance.

Ambry Genetics
Classification: Uncertain significance for Hereditary cancer-predisposing syndrome. Last evaluated: 2025-02-19. Review status: criteria provided, single submitter. Criteria: Ambry Variant Classification Scheme 2023. Collection method: clinical testing. Allele origin: germline.
Comment: The p.R253Q variant (also known as c.758G>A), located in coding exon 5 of the POLD1 gene, results from a G to A substitution at nucleotide position 758. The amino acid change results in arginine to glutamine at codon 253, an amino acid with highly similar properties. However, this change occurs in the last base pair of coding exon 5, which makes it likely to have some effect on normal mRNA splicing. This nucleotide position is well conserved in available vertebrate species. This amino acid position is highly conserved in available vertebrate species. In silico splice site analysis predicts that this alteration will not have any significant effect on splicing. In addition, as a missense substitution this is predicted to be inconclusive by in silico analysis. Based on the available evidence, the clinical significance of this variant remains unclear.

KCCC/NGS Laboratory, Kuwait Cancer Control Center
Classification: Uncertain significance for POLD1-related polyposis and colorectal cancer syndrome. Last evaluated: 2024-11-03. Review status: criteria provided, single submitter. Criteria: ACMG Guidelines, 2015. Collection method: clinical testing. Allele origin: germline. Inheritance: Autosomal dominant inheritance. Affected: yes. Observed: 1 heterozygote.
Comment: The c.758G>A (p.Arg253Gln) sequence change replaces arginine, which is basic and polar, with glutamine, which is neutral and polar, at codon 253 of the POLD1 protein (p.Arg253Gln). This variant also falls at the last nucleotide of exon 6, which is part of the consensus splice site for this exon. This variant is present in population databases (no rsID available, gnomAD 0.005%). This variant has not been reported in the literature in individuals affected with POLD1-related conditions. ClinVar contains an entry for this variant (Variation ID: 469383). in silico analysis supports a deleterious effect. In addition, multiple splicing models predict that this variant may destroy/damage the nearby natural splice site. In summary, the available evidence is currently insufficient to determine the role of this variant in disease. Therefore, it has been classified as a Variant of Uncertain Significance.

GeneDx
Classification: Uncertain significance. Last evaluated: 2020-10-01. Review status: criteria provided, single submitter. Criteria: GeneDx Variant Classification Process June 2021. Collection method: clinical testing. Allele origin: germline. Affected: yes.
Comment: Not observed at a significant frequency in large population cohorts (Lek 2016); Protein-based in silico analysis supports a deleterious effect. In addition, multiple splicing models predict that this variant may destroy/damage the nearby natural splice site.; Has not been previously published as pathogenic or benign to our knowledge

Counsyl
Classification: Uncertain significance for POLD1-related polyposis and colorectal cancer syndrome. Last evaluated: 2018-04-02. Review status: no assertion criteria provided. Collection method: clinical testing. Allele origin: unknown. Not counted in ClinVar's aggregate classification.

Dr. Peter K. Rogan Lab, Western University
No classification provided (evidence only). Condition: Colon adenocarcinoma. Review status: no classification provided. Collection method: in vitro. Allele origin: not applicable. Functional consequence: retained intron. Not counted in ClinVar's aggregate classification.

Dr. Peter K. Rogan Lab, Western University
No classification provided (evidence only). Condition: Cervical cancer. Review status: no classification provided. Collection method: in vitro. Allele origin: not applicable. Functional consequence: retained intron. Not counted in ClinVar's aggregate classification.

Literature cited by the submitters: PubMed 17576681 (cited by Labcorp Genetics (formerly Invitae), Labcorp); PubMed 9536098 (cited by Labcorp Genetics (formerly Invitae), Labcorp).

NM_002691.4(POLD1):c.758G>A (p.Arg253Gln)

Gene: POLD1 (DNA polymerase delta 1, catalytic subunit; plus strand). Cytogenetic location: 19q13.33.
Variant type: single nucleotide variant.
Coding change: c.758G>A on transcript NM_002691.4 (MANE Select); coding-DNA position 758, G replaced by A.
Protein change: p.Arg253Gln; replaces arginine 253 with glutamine.
Molecular consequence: missense variant. On other transcripts: non-coding transcript variant (1).
Genome position (GRCh38, 1-based): chr19:50,402,373, G>A. VCF-style: chr19-50402373-G-A. GRCh37 (hg19) VCF-style: chr19-50905630-G-A.
Other names: c.758G>A, p.Arg253Gln (NM_001256849.1, NM_001308632.1); c.758G>A (NM_002691.2); short protein forms R253Q.
Identifiers: ClinVar variation 469383 (VCV000469383.15), dbSNP rs1366413924, ClinGen allele CA406974693.
Genomic context (GRCh38, chr19:50,402,373, plus strand): 5'-TGGCAGGCCTGGGCACGCCCAGCTTCGCGCCCTACGAGGCCAACGTCGACTTTGAGATCC[G>A]GTACGGCCTCTGCCTCACTTCTCCGGCCTCTATCCCCACCCTCGGGCAGCCCCTGTCCAC-3'
Protein context (NP_002682.2, residues 243-263): PYEANVDFEI[Arg253Gln]FMVDTDIVGC